The following is an entry in ClinVar:

ClinVar aggregate classification (germline): Uncertain significance (1 of 4 stars; one submission).

Conditions:
Hereditary cancer-predisposing syndrome. Also called: Neoplastic Syndromes, Hereditary; Tumor predisposition; Hereditary neoplastic syndrome; Hereditary Cancer Syndrome. Identifiers: Orphanet 140162, MedGen C0027672, MeSH D009386, MONDO:0015356.

Submission:

Ambry Genetics
Classification: Uncertain significance for Hereditary cancer-predisposing syndrome. Last evaluated: 2024-03-19. Review status: criteria provided, single submitter. Criteria: Ambry Variant Classification Scheme 2023. Collection method: clinical testing. Allele origin: germline.
Comment: The p.S450R variant (also known as c.1350C>G), located in coding exon 7 of the RET gene, results from a C to G substitution at nucleotide position 1350. The serine at codon 450 is replaced by arginine, an amino acid with dissimilar properties. This amino acid position is conserved. In addition, this alteration is predicted to be tolerated by in silico analysis. Based on the available evidence, the clinical significance of this alteration remains unclear.

NM_020975.6(RET):c.1350C>G (p.Ser450Arg)

Gene: RET (ret proto-oncogene; plus strand). Cytogenetic location: 10q11.21.
Variant type: single nucleotide variant.
Coding change: c.1350C>G on transcript NM_020975.6 (MANE Select); coding-DNA position 1350, C replaced by G.
Protein change: p.Ser450Arg; replaces serine 450 with arginine.
Molecular consequence: missense variant. On other transcripts: intron variant (15).
Genome position (GRCh38, 1-based): chr10:43,111,293, C>G. VCF-style: chr10-43111293-C-G. GRCh37 (hg19) VCF-style: chr10-43606741-C-G.
Other names: c.588C>G, p.Ser196Arg (NM_001355216.2); c.1350C>G, p.Ser450Arg (NM_001406743.1, NM_001406744.1, NM_001406759.1 and 4 more transcripts); c.1221C>G, p.Ser407Arg (NM_001406761.1, NM_001406762.1, NM_001406764.1 and 1 more transcripts); c.624C>G, p.Ser208Arg (NM_001406776.1, NM_001406777.1, NM_001406778.1 and 1 more transcripts); c.360C>G, p.Ser120Arg (NM_001406784.1); c.626-806C>G (NM_001406782.1, NM_001406780.1, NM_001406779.1 and 3 more transcripts); c.497-806C>G (NM_001406786.1, NM_001406783.1); c.338-806C>G (NM_001406790.1, NM_001406788.1, NM_001406789.1 and 1 more transcripts); and 5 more; short protein forms S407R, S208R, S275R, S354R, S450R, S120R, S304R, S196R.
Identifiers: ClinVar variation 3313708 (VCV003313708.1).
Genomic context (GRCh38, chr10:43,111,293, plus strand): 5'-CCAGGCATTCAGTGGCATCAACGTCCAGTACAAGCTGCATTCCTCTGGTGCCAACTGCAG[C>G]ACGCTAGGGGTGGTCACCTCAGCCGAGGACACCTCGGGGATCCTGTTTGTGAATGACACC-3'
Protein context (NP_066124.1, residues 440-460): YKLHSSGANC[Ser450Arg]TLGVVTSAED